The following is an entry in ClinVar:

ClinVar aggregate classification (germline): Likely pathogenic (1 of 4 stars; one submission).

Conditions:
Nemaline myopathy 2 (NEM2). Also called: Nemaline myopathy 2, autosomal recessive. Identifiers: MedGen C1850569, MONDO:0009725, OMIM 256030.

Submission:

Myriad Genetics, Inc.
Classification: Likely pathogenic for Nemaline myopathy 2. Last evaluated: 2022-03-03. Review status: criteria provided, single submitter. Criteria: Myriad Women's Health Autosomal Recessive and X-Linked Classification Criteria (2021). Collection method: clinical testing. Allele origin: unknown.
Comment: NM_001271208.1(NEB):c.2437G>T(E813*) is expected to be pathogenic in the context of NEB-related nemaline myopathy. This variant is predicted to lead to an abnormal or absent protein product due to the creation of a premature termination codon in NEB, a gene where loss-of-function variants are known to be pathogenic. Please note: this variant was assessed in the context of healthy population screening.

NM_001164508.2(NEB):c.2437G>T (p.Glu813Ter)

Gene: NEB (nebulin; minus strand). Cytogenetic location: 2q23.3.
Variant type: single nucleotide variant.
Coding change: c.2437G>T on transcript NM_001164508.2 (MANE Select); coding-DNA position 2437, G replaced by T.
Protein change: p.Glu813Ter; replaces glutamic acid 813 with a stop codon.
Molecular consequence: nonsense.
Genome position (GRCh38, 1-based): chr2:151,687,712, C>A on the plus strand (G>T on the coding strand, the complement: NEB is on the minus strand). VCF-style: chr2-151687712-C-A. GRCh37 (hg19) VCF-style: chr2-152544226-C-A.
Other names: c.2437G>T, p.Glu813Ter (NM_001164507.2, NM_001271208.2, NM_004543.5); short protein forms E813*.
Identifiers: ClinVar variation 1724971 (VCV001724971.2), dbSNP rs752442261, ClinGen allele CA348822982.